The following is an entry in ClinVar:

ClinVar aggregate classification (germline): Uncertain significance (1 of 4 stars; one submission).

gnomAD v4.1: 72 of 1,604,922 alleles (0.0045%); highest among the groups gnomAD compares: Non-Finnish European, 0.0058%; no homozygotes.

Submission:

Labcorp Genetics (formerly Invitae), Labcorp
Classification: Uncertain significance. Last evaluated: 2026-01-14. Review status: criteria provided, single submitter. Criteria: Invitae Variant Classification Sherloc (09022015). Collection method: clinical testing. Allele origin: germline.
Comment: This sequence change replaces proline, which is neutral and non-polar, with serine, which is neutral and polar, at codon 183 of the FOXF1 protein (p.Pro183Ser). This variant is present in population databases (rs773313203, gnomAD 0.01%). This variant has not been reported in the literature in individuals affected with FOXF1-related conditions. Invitae Evidence Modeling of protein sequence and biophysical properties (such as structural, functional, and spatial information, amino acid conservation, physicochemical variation, residue mobility, and thermodynamic stability) indicates that this missense variant is not expected to disrupt FOXF1 protein function with a negative predictive value of 80%. In summary, the available evidence is currently insufficient to determine the role of this variant in disease. Therefore, it has been classified as a Variant of Uncertain Significance.

NM_001451.3(FOXF1):c.547C>T (p.Pro183Ser)

Gene: FOXF1 (forkhead box F1; plus strand). Cytogenetic location: 16q24.1.
Variant type: single nucleotide variant.
Coding change: c.547C>T on transcript NM_001451.3 (MANE Select); coding-DNA position 547, C replaced by T.
Protein change: p.Pro183Ser; replaces proline 183 with serine.
Molecular consequence: missense variant.
Genome position (GRCh38, 1-based): chr16:86,511,116, C>T. VCF-style: chr16-86511116-C-T. GRCh37 (hg19) VCF-style: chr16-86544722-C-T.
Other names: short protein forms P183S.
Identifiers: ClinVar variation 4751028 (VCV004751028.1).